The following is an entry in ClinVar:

NM_001126121.2(SLC25A19):c.91G>T (p.Ala31Ser)

Gene: SLC25A19 (solute carrier family 25 member 19; minus strand). Cytogenetic location: 17q25.1.
Variant type: single nucleotide variant.
Coding change: c.91G>T on transcript NM_001126121.2 (MANE Select); coding-DNA position 91, G replaced by T.
Protein change: p.Ala31Ser; replaces alanine 31 with serine.
Molecular consequence: missense variant.
Genome position (GRCh38, 1-based): chr17:75,286,674, C>A on the plus strand (G>T on the coding strand, the complement: SLC25A19 is on the minus strand). VCF-style: chr17-75286674-C-A. GRCh37 (hg19) VCF-style: chr17-73282755-C-A.
Other names: c.91G>T, p.Ala31Ser (NM_001126122.2, NM_021734.5); short protein forms A31S.
Identifiers: ClinVar variation 2007219 (VCV002007219.1), dbSNP rs2078190767, ClinGen allele CA401005568.

ClinVar aggregate classification (germline): Uncertain significance (1 of 4 stars; one submission).

Submission:

Labcorp Genetics (formerly Invitae), Labcorp
Classification: Uncertain significance. Last evaluated: 2022-06-15. Review status: criteria provided, single submitter. Criteria: Invitae Variant Classification Sherloc (09022015). Collection method: clinical testing. Allele origin: germline.
Comment: This sequence change replaces alanine, which is neutral and non-polar, with serine, which is neutral and polar, at codon 31 of the SLC25A19 protein (p.Ala31Ser). This variant is not present in population databases (gnomAD no frequency). This variant has not been reported in the literature in individuals affected with SLC25A19-related conditions. Algorithms developed to predict the effect of missense changes on protein structure and function (SIFT, PolyPhen-2, Align-GVGD) all suggest that this variant is likely to be tolerated. In summary, the available evidence is currently insufficient to determine the role of this variant in disease. Therefore, it has been classified as a Variant of Uncertain Significance.